The following is an entry in ClinVar:

NM_004311.4(ARL3):c.403C>T (p.Pro135Ser)

Gene: ARL3 (ARF like GTPase 3; minus strand). Cytogenetic location: 10q24.32.
Variant type: single nucleotide variant.
Coding change: c.403C>T on transcript NM_004311.4 (MANE Select); coding-DNA position 403, C replaced by T.
Protein change: p.Pro135Ser; replaces proline 135 with serine.
Molecular consequence: missense variant.
Genome position (GRCh38, 1-based): chr10:102,685,914, G>A on the plus strand (C>T on the coding strand, the complement: ARL3 is on the minus strand). VCF-style: chr10-102685914-G-A. GRCh37 (hg19) VCF-style: chr10-104445671-G-A.
Other names: short protein forms P135S.
Identifiers: ClinVar variation 1491254 (VCV001491254.6), dbSNP rs767828413, ClinGen allele CA5668437.

ClinVar aggregate classification (germline): Uncertain significance (1 of 4 stars; one submission).

Allele frequency attached by ClinVar (database versions not stated): gnomAD exomes below 0.00001; ExAC 0.00001.
gnomAD v4.1: 2 of 1,614,152 alleles (0.00012%); highest among the groups gnomAD compares: Admixed American, 0.0017%; no homozygotes.

Submission:

Labcorp Genetics (formerly Invitae), Labcorp
Classification: Uncertain significance. Last evaluated: 2022-03-24. Review status: criteria provided, single submitter. Criteria: Invitae Variant Classification Sherloc (09022015). Collection method: clinical testing. Allele origin: germline.
Comment: In summary, the available evidence is currently insufficient to determine the role of this variant in disease. Therefore, it has been classified as a Variant of Uncertain Significance. Algorithms developed to predict the effect of missense changes on protein structure and function (SIFT, PolyPhen-2, Align-GVGD) all suggest that this variant is likely to be tolerated. This variant has not been reported in the literature in individuals affected with ARL3-related conditions. This variant is present in population databases (rs767828413, gnomAD 0.003%). This sequence change replaces proline, which is neutral and non-polar, with serine, which is neutral and polar, at codon 135 of the ARL3 protein (p.Pro135Ser).